The following is an entry in ClinVar:

NM_006231.4(POLE):c.3290C>A (p.Ala1097Asp)

Gene: POLE (DNA polymerase epsilon, catalytic subunit; minus strand). Cytogenetic location: 12q24.33.
Variant type: single nucleotide variant.
Coding change: c.3290C>A on transcript NM_006231.4 (MANE Select); coding-DNA position 3290, C replaced by A.
Protein change: p.Ala1097Asp; replaces alanine 1097 with aspartic acid.
Molecular consequence: missense variant.
Genome position (GRCh38, 1-based): chr12:132,657,956, G>T on the plus strand (C>A on the coding strand, the complement: POLE is on the minus strand). VCF-style: chr12-132657956-G-T. GRCh37 (hg19) VCF-style: chr12-133234542-G-T.
Other names: short protein forms A1097D.
Identifiers: ClinVar variation 1729845 (VCV001729845.7), dbSNP rs2138663775, ClinGen allele CA387389843.
Genomic context (GRCh38, chr12:132,657,956, plus strand): 5'-GAGCTCTTGAGCCATTTCCGGAGAAAGTGCTTCCTCACCGTGGGCTCTGCTTGGAAAATG[G>T]CAAGTGGGATGGCCCTGGGTAAGGAAGACAGGCACACAGCTCAGTAACAGTGAAAATCAC-3'
Protein context (NP_006222.2, residues 1087-1107): SPVTERAIPL[Ala1097Asp]IFQAEPTVRK

ClinVar aggregate classification (germline): Uncertain significance. Review status: criteria provided, multiple submitters, no conflicts (2 of 4 stars). 2 submissions from 2 submitters: Uncertain significance (2). Last evaluated 2024-08-29.

Conditions:
Hereditary cancer-predisposing syndrome. Also called: Neoplastic Syndromes, Hereditary; Tumor predisposition; Hereditary Cancer Syndrome; Hereditary neoplastic syndrome. Identifiers: Orphanet 140162, MedGen C0027672, MeSH D009386, MONDO:0015356.

Submissions (2):

Labcorp Genetics (formerly Invitae), Labcorp
Classification: Uncertain significance. Last evaluated: 2024-08-29. Review status: criteria provided, single submitter. Criteria: Invitae Variant Classification Sherloc (09022015). Collection method: clinical testing. Allele origin: germline.
Comment: This sequence change replaces alanine, which is neutral and non-polar, with aspartic acid, which is acidic and polar, at codon 1097 of the POLE protein (p.Ala1097Asp). This variant is not present in population databases (gnomAD no frequency). This variant has not been reported in the literature in individuals affected with POLE-related conditions. ClinVar contains an entry for this variant (Variation ID: 1729845). Invitae Evidence Modeling of protein sequence and biophysical properties (such as structural, functional, and spatial information, amino acid conservation, physicochemical variation, residue mobility, and thermodynamic stability) indicates that this missense variant is expected to disrupt POLE protein function with a positive predictive value of 80%. In summary, the available evidence is currently insufficient to determine the role of this variant in disease. Therefore, it has been classified as a Variant of Uncertain Significance.

Ambry Genetics
Classification: Uncertain significance for Hereditary cancer-predisposing syndrome. Last evaluated: 2021-08-09. Review status: criteria provided, single submitter. Criteria: Ambry Variant Classification Scheme 2023. Collection method: clinical testing. Allele origin: germline.
Comment: The p.A1097D variant (also known as c.3290C>A), located in coding exon 27 of the POLE gene, results from a C to A substitution at nucleotide position 3290. The alanine at codon 1097 is replaced by aspartic acid, an amino acid with dissimilar properties. This amino acid position is conserved. In addition, this alteration is predicted to be deleterious by in silico analysis. Since supporting evidence is limited at this time, the clinical significance of this alteration remains unclear.